The following is an entry in ClinVar:

ClinVar aggregate classification (germline): Pathogenic (1 of 4 stars; one submission).

Submission:

Labcorp Genetics (formerly Invitae), Labcorp
Classification: Pathogenic. Last evaluated: 2023-12-13. Review status: criteria provided, single submitter. Criteria: Invitae Variant Classification Sherloc (09022015). Collection method: clinical testing. Allele origin: unknown.
Comment: A copy number gain of the genomic region encompassing the full coding sequence of the STAG2 gene has been identified. The boundaries of this event are unknown as they extend beyond the assayed region for this gene and therefore may encompass additional genes. As the precise location of this event is unknown, it may be in tandem or it may be located elsewhere in the genome. A similar copy number variant has been observed in individual(s) with STAG2-related conditions (PMID: 25450604, 25677961, 26443594; Invitae). In at least one individual the variant was observed to be de novo. For these reasons, this variant has been classified as Pathogenic.

Literature cited by the submitters: PubMed 25450604; PubMed 25677961; PubMed 26443594.

NC_000023.10:g.(?_122617542)_(123834035_?)dup

Genes: GRIA3 (glutamate ionotropic receptor AMPA type subunit 3; plus strand), SH2D1A (SH2 domain containing 1A; plus strand), STAG2 (STAG2 cohesin complex component; plus strand), TENM1 (teneurin transmembrane protein 1; minus strand), THOC2 (THO complex subunit 2; minus strand) and 1 more. Cytogenetic location: Xq25.
Variant type: Duplication.
Identifiers: ClinVar variation 3246418 (VCV003246418.1).